The following is an entry in ClinVar:

NM_001369268.1(ACAN):c.1265C>G (p.Pro422Arg)

Gene: ACAN (aggrecan; plus strand). Cytogenetic location: 15q26.1.
Variant type: single nucleotide variant.
Coding change: c.1265C>G on transcript NM_001369268.1 (MANE Select); coding-DNA position 1265, C replaced by G.
Protein change: p.Pro422Arg; replaces proline 422 with arginine.
Molecular consequence: missense variant.
Genome position (GRCh38, 1-based): chr15:88,845,718, C>G. VCF-style: chr15-88845718-C-G. GRCh37 (hg19) VCF-style: chr15-89388949-C-G.
Other names: c.1265C>G, p.Pro422Arg (NM_001135.4, NM_001411096.1, NM_001411097.1 and 1 more transcripts); short protein forms P422R.
Identifiers: ClinVar variation 3682085 (VCV003682085.2).

ClinVar aggregate classification (germline): Uncertain significance (1 of 4 stars; one submission).

gnomAD v4.1: 2 of 1,613,942 alleles (0.00012%); highest among the groups gnomAD compares: Non-Finnish European, 0.00017%; no homozygotes.

Submission:

Labcorp Genetics (formerly Invitae), Labcorp
Classification: Uncertain significance. Last evaluated: 2025-08-18. Review status: criteria provided, single submitter. Criteria: Invitae Variant Classification Sherloc (09022015). Collection method: clinical testing. Allele origin: germline.
Comment: This sequence change replaces proline, which is neutral and non-polar, with arginine, which is basic and polar, at codon 422 of the ACAN protein (p.Pro422Arg). This variant is present in population databases (rs769892728, gnomAD 0.002%). This variant has not been reported in the literature in individuals affected with ACAN-related conditions. ClinVar contains an entry for this variant (Variation ID: 3682085). Invitae Evidence Modeling of protein sequence and biophysical properties (such as structural, functional, and spatial information, amino acid conservation, physicochemical variation, residue mobility, and thermodynamic stability) indicates that this missense variant is not expected to disrupt ACAN protein function with a negative predictive value of 80%. In summary, the available evidence is currently insufficient to determine the role of this variant in disease. Therefore, it has been classified as a Variant of Uncertain Significance.